The following is an entry in ClinVar:

NM_006206.6(PDGFRA):c.3155C>T (p.Thr1052Met)

Gene: PDGFRA (platelet derived growth factor receptor alpha; plus strand). Cytogenetic location: 4q12.
Variant type: single nucleotide variant.
Coding change: c.3155C>T on transcript NM_006206.6 (MANE Select); coding-DNA position 3155, C replaced by T.
Protein change: p.Thr1052Met; replaces threonine 1052 with methionine.
Molecular consequence: missense variant.
Genome position (GRCh38, 1-based): chr4:54,295,157, C>T. VCF-style: chr4-54295157-C-T. GRCh37 (hg19) VCF-style: chr4-55161324-C-T.
Other names: c.3230C>T, p.Thr1077Met (NM_001347828.2); c.3155C>T, p.Thr1052Met (NM_001347829.2); c.3194C>T, p.Thr1065Met (NM_001347830.2); short protein forms T1052M, T1065M, T1077M.
Identifiers: ClinVar variation 39618 (VCV000039618.25), dbSNP rs397514550, ClinGen allele CA279990.

ClinVar aggregate classification (germline): Conflicting classifications of pathogenicity. Review status: criteria provided, conflicting classifications (1 of 4 stars). 7 submissions from 7 submitters: Uncertain significance (2); Benign (1); Likely benign (3). 1 of the submissions does not count toward it. Last evaluated 2026-06-16.

Conditions:
Polyps, multiple and recurrent inflammatory fibroid, gastrointestinal. Identifiers: MedGen C5193005, MONDO:0008285, OMIM 175510.
PDGFRA-related disorder. Also called: PDGFRA-related condition.
Hereditary cancer-predisposing syndrome. Also called: Hereditary neoplastic syndrome; Tumor predisposition; Hereditary Cancer Syndrome; Neoplastic Syndromes, Hereditary. Identifiers: Orphanet 140162, MedGen C0027672, MeSH D009386, MONDO:0015356.
Gastrointestinal stromal tumor. Also called: Gastrointestinal stroma tumor; Gastrointestinal stromal tumor, somatic. Identifiers: Orphanet 44890, MedGen C0238198, MeSH D046152, MONDO:0011719, OMIM 606764, HP:0100723.
Isolated cleft palate. Also called: nonsyndromic cleft palate. Identifiers: Orphanet 2014, MedGen C1837218, MONDO:0007336, OMIM 119540.

Allele frequency attached by ClinVar (database versions not stated): ExAC 0.00012; 1000 Genomes Project 30x 0.00016; gnomAD exomes 0.00018; 1000 Genomes Project 0.00020; gnomAD 0.00030 and 0.00034; TOPMed 0.00036.
gnomAD v4.1: 314 of 1,614,018 alleles (0.019%); highest among the groups gnomAD compares: Admixed American, 0.073%; no homozygotes.

Submissions (7):

Myriad Genetics, Inc.
Classification: Likely benign for Polyps, multiple and recurrent inflammatory fibroid, gastrointestinal. Last evaluated: 2026-06-16. Review status: criteria provided, single submitter. Criteria: Myriad Autosomal Dominant, Autosomal Recessive and X-Linked Classification Criteria (2023). Collection method: clinical testing. Allele origin: unknown.
Comment: This variant is considered likely benign. This variant has been observed at a population frequency that is significantly greater than expected given the associated disease prevalence and penetrance.

Labcorp Genetics (formerly Invitae), Labcorp
Classification: Likely benign for Gastrointestinal stromal tumor. Last evaluated: 2026-01-11. Review status: criteria provided, single submitter. Criteria: Invitae Variant Classification Sherloc (09022015). Collection method: clinical testing. Allele origin: germline.

PreventionGenetics, part of Exact Sciences
Classification: Likely benign for PDGFRA-related condition. Last evaluated: 2025-05-29. Review status: criteria provided, single submitter. Criteria: ACMG Guidelines, 2015. Collection method: clinical testing. Allele origin: germline.
Comment: This variant is classified as likely benign based on ACMG/AMP sequence variant interpretation guidelines (Richards et al. 2015 PMID: 25741868, with internal and published modifications).

Ambry Genetics
Classification: Benign for Hereditary cancer-predisposing syndrome. Last evaluated: 2024-08-20. Review status: criteria provided, single submitter. Criteria: Ambry Variant Classification Scheme 2023. Collection method: clinical testing. Allele origin: germline.

GeneDx
Classification: Uncertain significance. Last evaluated: 2024-02-15. Review status: criteria provided, single submitter. Criteria: GeneDx Variant Classification Process June 2021. Collection method: clinical testing. Allele origin: germline. Affected: yes.
Comment: In silico analysis supports that this missense variant does not alter protein structure/function; This variant is associated with the following publications: (PMID: 22473090, 30262796, 28873162, 32859249)

St. Jude Molecular Pathology, St. Jude Children's Research Hospital
Classification: Uncertain significance for Polyps, multiple and recurrent inflammatory fibroid, gastrointestinal. Last evaluated: 2022-10-06. Review status: criteria provided, single submitter. Criteria: St. Jude Assertion Criteria 2020. Collection method: clinical testing. Allele origin: germline.
Comment: The PDGFRA c.3155C>T (p.Thr1052Met) missense change has a maximum frequency of 0.051% in gnomAD v2.1.1. The in silico tool REVEL is inconclusive about a pathogenic or benign effect of this variant on protein function, and to our knowledge functional studies have not been performed. To our knowledge, this variant has not been reported in individuals with PDGFRA-related conditions. In summary, the evidence currently available is insufficient to determine the clinical significance of this variant. It has therefore been classified as of uncertain significance.

OMIM
Classification: Uncertain significance for VARIANT OF UNKNOWN SIGNIFICANCE. Last evaluated: 2012-10-01. Review status: no assertion criteria provided. Collection method: literature only. Allele origin: germline. Not counted in ClinVar's aggregate classification.

Literature cited by the submitters: PubMed 22473090 (cited by OMIM).